The following is an entry in ClinVar:

NM_000368.5(TSC1):c.1998-81A>C

Gene: TSC1 (TSC complex subunit 1; minus strand). Cytogenetic location: 9q34.13.
Variant type: single nucleotide variant.
Coding change: c.1998-81A>C on transcript NM_000368.5 (MANE Select); 81 bases into the intron before coding-DNA position 1998, A replaced by C.
Molecular consequence: intron variant.
Genome position (GRCh38, 1-based): chr9:132,904,535, T>G on the plus strand (A>C on the coding strand, the complement: TSC1 is on the minus strand). VCF-style: chr9-132904535-T-G. GRCh37 (hg19) VCF-style: chr9-135779922-T-G.
Other names: c.1632-81A>C (NM_001406620.1, NM_001406625.1, NM_001406621.1 and 2 more transcripts); c.1635-81A>C (NM_001406618.1, NM_001406617.1, NM_001406619.1 and 5 more transcripts); c.1842-81A>C (NM_001406613.1, NM_001406612.1, NM_001406611.1); c.1845-81A>C (NM_001406610.1, NM_001162427.2); c.1044-81A>C (NM_001406627.1, NM_001406628.1); c.945-81A>C (NM_001406629.1, NM_001406630.1); c.1995-81A>C (NM_001406603.1, NM_001406609.1, NM_001406597.1 and 6 more transcripts); c.1998-81A>C (NM_001406602.1, NM_001406606.1, NM_001406592.1 and 7 more transcripts); and 1 more.
Identifiers: ClinVar variation 2562902 (VCV002562902.4), dbSNP rs1845556341, ClinGen allele CA1882412469.

ClinVar aggregate classification (germline): Uncertain significance (1 of 4 stars; one submission).

Conditions:
Hereditary cancer-predisposing syndrome. Also called: Neoplastic Syndromes, Hereditary; Hereditary Cancer Syndrome; Hereditary neoplastic syndrome; Tumor predisposition. Identifiers: Orphanet 140162, MedGen C0027672, MeSH D009386, MONDO:0015356.

gnomAD v4.1: 2 of 1,373,694 alleles (0.00015%); highest among the groups gnomAD compares: Non-Finnish European, 0.00021%; no homozygotes.

Submission:

Ambry Genetics
Classification: Uncertain significance for Hereditary cancer-predisposing syndrome. Last evaluated: 2025-09-09. Review status: criteria provided, single submitter. Criteria: Ambry Variant Classification Scheme 2023. Collection method: clinical testing. Allele origin: germline.
Comment: The c.1998-81A>C intronic variant results from an A to C substitution 81 nucleotides upstream from coding exon 14 in the TSC1 gene. This nucleotide position is well conserved in available vertebrate species. In silico splice site analysis predicts that this alteration will not have any significant effect on splicing. RNA studies have demonstrated that this alteration results in a splice defect; the clinical impact of this abnormal splicing is unknown at this time (Ambry internal data). Based on the available evidence, the clinical significance of this variant remains unclear.